The following is an entry in ClinVar:

NM_032444.4(SLX4):c.1749G>T (p.Arg583Ser)

Gene: SLX4 (SLX4 structure-specific endonuclease subunit; minus strand). Cytogenetic location: 16p13.3.
Variant type: single nucleotide variant.
Coding change: c.1749G>T on transcript NM_032444.4 (MANE Select); coding-DNA position 1749, G replaced by T.
Protein change: p.Arg583Ser; replaces arginine 583 with serine.
Molecular consequence: missense variant.
Genome position (GRCh38, 1-based): chr16:3,596,328, C>A on the plus strand (G>T on the coding strand, the complement: SLX4 is on the minus strand). VCF-style: chr16-3596328-C-A. GRCh37 (hg19) VCF-style: chr16-3646329-C-A.
Other names: short protein forms R583S.
Identifiers: ClinVar variation 1423896 (VCV001423896.5), dbSNP rs374644679, ClinGen allele CA7866418.

ClinVar aggregate classification (germline): Uncertain significance. Review status: criteria provided, multiple submitters, no conflicts (2 of 4 stars). 2 submissions from 2 submitters: Uncertain significance (2). Last evaluated 2022-12-22.

Conditions:
Fanconi anemia complementation group P. Also called: SLX4-Related Fanconi Anemia. Identifiers: Orphanet 84, MedGen C3469542, MONDO:0013499, OMIM 613951.
Fanconi anemia (FA). Also called: Fanconi's anemia. Identifiers: Orphanet 84, MedGen C0015625, MeSH D005199, MONDO:0019391.

Allele frequency attached by ClinVar (database versions not stated): gnomAD exomes 0.00002 and 0.00003; gnomAD 0.00003; TOPMed 0.00004; ESP Exome Variant Server 0.00015; ExAC 0.00021.

Submissions (2):

Labcorp Genetics (formerly Invitae), Labcorp
Classification: Uncertain significance for Fanconi anemia. Last evaluated: 2022-12-22. Review status: criteria provided, single submitter. Criteria: Invitae Variant Classification Sherloc (09022015). Collection method: clinical testing. Allele origin: germline.
Comment: Algorithms developed to predict the effect of missense changes on protein structure and function output the following: SIFT: "Tolerated"; PolyPhen-2: "Benign"; Align-GVGD: "Class C0". The serine amino acid residue is found in multiple mammalian species, which suggests that this missense change does not adversely affect protein function. In summary, the available evidence is currently insufficient to determine the role of this variant in disease. Therefore, it has been classified as a Variant of Uncertain Significance. ClinVar contains an entry for this variant (Variation ID: 1423896). This variant has not been reported in the literature in individuals affected with SLX4-related conditions. This variant is present in population databases (rs374644679, gnomAD 0.01%). This sequence change replaces arginine, which is basic and polar, with serine, which is neutral and polar, at codon 583 of the SLX4 protein (p.Arg583Ser).

Fulgent Genetics
Classification: Uncertain significance for Fanconi anemia complementation group P. Last evaluated: 2021-11-22. Review status: criteria provided, single submitter. Criteria: ACMG Guidelines, 2015. Collection method: clinical testing. Allele origin: unknown.